The following is an entry in ClinVar:

ClinVar aggregate classification (germline): Uncertain significance (1 of 4 stars; one submission).

Conditions:
Hepatic veno-occlusive disease-immunodeficiency syndrome. Also called: Hepatic Veno-Occlusive Disease with Immunodeficiency. Identifiers: Orphanet 79124, MedGen C1856128, MONDO:0009338, OMIM 235550. Disease mechanism: loss of function.

Allele frequency attached by ClinVar (database versions not stated): gnomAD exomes below 0.00001.
gnomAD v4.1: 3 of 1,613,984 alleles (0.00019%); highest among the groups gnomAD compares: Middle Eastern, 0.016%; 1 homozygote.

Submission:

Labcorp Genetics (formerly Invitae), Labcorp
Classification: Uncertain significance for Hepatic veno-occlusive disease-immunodeficiency syndrome. Last evaluated: 2022-08-09. Review status: criteria provided, single submitter. Criteria: Invitae Variant Classification Sherloc (09022015). Collection method: clinical testing. Allele origin: germline.
Comment: In summary, the available evidence is currently insufficient to determine the role of this variant in disease. Therefore, it has been classified as a Variant of Uncertain Significance. Algorithms developed to predict the effect of missense changes on protein structure and function (SIFT, PolyPhen-2, Align-GVGD) all suggest that this variant is likely to be tolerated. ClinVar contains an entry for this variant (Variation ID: 1024999). This variant has not been reported in the literature in individuals affected with SP110-related conditions. This variant is not present in population databases (gnomAD no frequency). This sequence change replaces glycine, which is neutral and non-polar, with aspartic acid, which is acidic and polar, at codon 676 of the SP110 protein (p.Gly676Asp).

NM_080424.4(SP110):c.2099G>A (p.Gly700Asp)

Gene: SP110 (SP110 nuclear body protein; minus strand). Cytogenetic location: 2q37.1.
Variant type: single nucleotide variant.
Coding change: c.2099G>A on transcript NM_080424.4 (MANE Select); coding-DNA position 2099, G replaced by A.
Protein change: p.Gly700Asp; replaces glycine 700 with aspartic acid.
Molecular consequence: missense variant.
Genome position (GRCh38, 1-based): chr2:230,169,167, C>T on the plus strand (G>A on the coding strand, the complement: SP110 is on the minus strand). VCF-style: chr2-230169167-C-T. GRCh37 (hg19) VCF-style: chr2-231033883-C-T.
Other names: c.2195G>A, p.Gly732Asp (NM_001378442.1); c.2177G>A, p.Gly726Asp (NM_001378443.1); c.2117G>A, p.Gly706Asp (NM_001378444.1); c.2045G>A, p.Gly682Asp (NM_001378445.1); c.1904G>A, p.Gly635Asp (NM_001378446.1); c.2027G>A, p.Gly676Asp (NM_004509.5); short protein forms G635D, G676D, G682D, G700D, G706D, G726D, G732D.
Identifiers: ClinVar variation 1024999 (VCV001024999.7), dbSNP rs2078364090, ClinGen allele CA350896061.